The following is an entry in ClinVar:

ClinVar aggregate classification (germline): Likely benign. Review status: criteria provided, single submitter (1 of 4 stars). 2 submissions from 2 submitters: Likely benign (1). 1 of the submissions does not count toward it. Last evaluated 2025-12-01.

Conditions:
FARSA-related disorder. Also called: FARSA-related condition.

Allele frequency attached by ClinVar (database versions not stated): ESP Exome Variant Server 0.00161; TOPMed 0.00202; gnomAD 0.00228; 1000 Genomes Project 0.00300; 1000 Genomes Project 30x 0.00328; ExAC 0.00331; gnomAD exomes 0.00355.

Submissions (2):

CeGaT Center for Human Genetics Tuebingen
Classification: Likely benign. Last evaluated: 2025-12-01. Review status: criteria provided, single submitter. Criteria: CeGaT Center For Human Genetics Tuebingen Variant Classification Criteria Version 2. Collection method: clinical testing. Allele origin: germline. Affected: yes. Observed: 6 variant alleles.
Comment: FARSA: BP4, BP7, BS2

PreventionGenetics, part of Exact Sciences
Classification: Benign for FARSA-related condition. Last evaluated: 2019-02-28. Review status: no assertion criteria provided. Collection method: clinical testing. Allele origin: germline. Not counted in ClinVar's aggregate classification.
Comment: This variant is classified as benign based on ACMG/AMP sequence variant interpretation guidelines (Richards et al. 2015 PMID: 25741868, with internal and published modifications).

NM_004461.3(FARSA):c.486G>A (p.Arg162=)

Gene: FARSA (phenylalanyl-tRNA synthetase subunit alpha; minus strand). Cytogenetic location: 19p13.13.
Variant type: single nucleotide variant.
Coding change: c.486G>A on transcript NM_004461.3 (MANE Select); coding-DNA position 486, G replaced by A.
Protein change: p.Arg162=; no amino-acid change (arginine 162 retained).
Molecular consequence: synonymous variant.
Genome position (GRCh38, 1-based): chr19:12,930,240, C>T on the plus strand (G>A on the coding strand, the complement: FARSA is on the minus strand). VCF-style: chr19-12930240-C-T. GRCh37 (hg19) VCF-style: chr19-13041054-C-T.
Other names: c.486G>A (NM_004461.2).
Identifiers: ClinVar variation 2649359 (VCV002649359.25), dbSNP rs34795408, ClinGen allele CA9235396.